The following is an entry in ClinVar:

ClinVar aggregate classification (germline): Benign (1 of 4 stars; one submission).

Allele frequency attached by ClinVar (database versions not stated): 1000 Genomes Project 0.32668; 1000 Genomes Project 30x 0.33307; TOPMed 0.35304; gnomAD 0.36038.
gnomAD v4.1: 480,542 of 1,188,358 alleles (40%); highest among the groups gnomAD compares: South Asian, 46%; 100,207 homozygotes.

Submission:

Unidad de Genómica Garrahan, Hospital de Pediatría Garrahan
Classification: Benign. Last evaluated: 2024-01-24. Review status: criteria provided, single submitter. Criteria: ACMG Guidelines, 2015. Collection method: clinical testing. Allele origin: germline. Affected: no. Observed: 51 variant alleles.
Comment: This variant is classified as Benign based on local population frequency. This variant was detected in 58% of patients studied by a panel of primary immunodeficiencies. Number of patients: 51. Only high quality variants are reported.

NM_014314.4(RIGI):c.2337+104C>T

Gene: RIGI (RNA sensor RIG-I; minus strand). Cytogenetic location: 9p21.1.
Variant type: single nucleotide variant.
Coding change: c.2337+104C>T on transcript NM_014314.4 (MANE Select); 104 bases into the intron after coding-DNA position 2337, C replaced by T.
Molecular consequence: intron variant.
Genome position (GRCh38, 1-based): chr9:32,466,186, G>A on the plus strand (C>T on the coding strand, the complement: RIGI is on the minus strand). VCF-style: chr9-32466186-G-A. GRCh37 (hg19) VCF-style: chr9-32466184-G-A.
Other names: c.1728+104C>T (NM_001385912.1); c.2322+104C>T (NM_001385913.1); c.2331+104C>T (NM_001385907.1); c.2166+104C>T (NM_001385909.1); c.1893+104C>T (NM_001385914.1); c.1896+104C>T (NM_001385910.1).
Identifiers: ClinVar variation 2688400 (VCV002688400.2), dbSNP rs2274864, ClinGen allele CA16361476.
Genomic context (GRCh38, chr9:32,466,186, plus strand): 5'-ACCTCATTGACATTTAAAAACAGAATGAATTTAATATTCACTAAGTATAAACTTTTTGTT[G>A]TAATATAACACTCTAAGCAATATGATAAAAGATACCAACCATCCTCCTCACATTCCCTGA-3'